The following is an entry in ClinVar:

NM_022168.4(IFIH1):c.1838T>C (p.Ile613Thr)

Gene: IFIH1 (interferon induced with helicase C domain 1; minus strand). Cytogenetic location: 2q24.2.
Variant type: single nucleotide variant.
Coding change: c.1838T>C on transcript NM_022168.4 (MANE Select); coding-DNA position 1838, T replaced by C.
Protein change: p.Ile613Thr; replaces isoleucine 613 with threonine.
Molecular consequence: missense variant.
Genome position (GRCh38, 1-based): chr2:162,277,621, A>G on the plus strand (T>C on the coding strand, the complement: IFIH1 is on the minus strand). VCF-style: chr2-162277621-A-G. GRCh37 (hg19) VCF-style: chr2-163134131-A-G.
Other names: short protein forms I613T.
Identifiers: ClinVar variation 3749308 (VCV003749308.2).

ClinVar aggregate classification (germline): Uncertain significance (1 of 4 stars; one submission).

Conditions:
Singleton-Merten syndrome 1 (SGMRT1). Also called: Widened medullary cavities of bone, aortic calcification, abnormal dentition, and muscular weakness; Syndrome of widened medullary cavities of the metacarpals and phalanges, aortic calcification and abnormal dentition. Identifiers: Orphanet 85191, MedGen C4225427, MONDO:0024535, OMIM 182250.
Aicardi-Goutieres syndrome 7 (AGS7). Identifiers: Orphanet 51, MedGen C3888244, MONDO:0014367, OMIM 615846.

gnomAD v4.1: 5 of 1,613,348 alleles (0.00031%); highest among the groups gnomAD compares: African/African-American, 0.0053%; no homozygotes.

Submission:

Labcorp Genetics (formerly Invitae), Labcorp
Classification: Uncertain significance for Aicardi-Goutieres syndrome 7; Singleton-Merten syndrome 1. Last evaluated: 2024-02-22. Review status: criteria provided, single submitter. Criteria: Invitae Variant Classification Sherloc (09022015). Collection method: clinical testing. Allele origin: germline.
Comment: This sequence change replaces isoleucine, which is neutral and non-polar, with threonine, which is neutral and polar, at codon 613 of the IFIH1 protein (p.Ile613Thr). This variant is present in population databases (rs772083054, gnomAD 0.007%). This variant has not been reported in the literature in individuals affected with IFIH1-related conditions. Advanced modeling of protein sequence and biophysical properties (such as structural, functional, and spatial information, amino acid conservation, physicochemical variation, residue mobility, and thermodynamic stability) has been performed at Invitae for this missense variant, however the output from this modeling did not meet the statistical confidence thresholds required to predict the impact of this variant on IFIH1 protein function. In summary, the available evidence is currently insufficient to determine the role of this variant in disease. Therefore, it has been classified as a Variant of Uncertain Significance.